The following is an entry in ClinVar:

ClinVar aggregate classification (germline): Uncertain significance (1 of 4 stars; one submission).

Conditions:
Cardiovascular phenotype. Identifiers: MedGen CN230736.

Allele frequency attached by ClinVar (database versions not stated): gnomAD 0.00001; TOPMed 0.00001.

Submission:

Ambry Genetics
Classification: Uncertain significance for Cardiovascular phenotype. Last evaluated: 2022-10-27. Review status: criteria provided, single submitter. Criteria: Ambry Variant Classification Scheme 2023. Collection method: clinical testing. Allele origin: germline.
Comment: The p.M1384T variant (also known as c.4151T>C), located in coding exon 24 of the SCN10A gene, results from a T to C substitution at nucleotide position 4151. The methionine at codon 1384 is replaced by threonine, an amino acid with similar properties. This amino acid position is conserved. In addition, this alteration is predicted to be tolerated by in silico analysis. Since supporting evidence is limited at this time, the clinical significance of this alteration remains unclear.

NM_006514.4(SCN10A):c.4151T>C (p.Met1384Thr)

Gene: SCN10A (sodium voltage-gated channel alpha subunit 10; minus strand). Cytogenetic location: 3p22.2.
Variant type: single nucleotide variant.
Coding change: c.4151T>C on transcript NM_006514.4 (MANE Select); coding-DNA position 4151, T replaced by C.
Protein change: p.Met1384Thr; replaces methionine 1384 with threonine.
Molecular consequence: missense variant.
Genome position (GRCh38, 1-based): chr3:38,709,608, A>G on the plus strand (T>C on the coding strand, the complement: SCN10A is on the minus strand). VCF-style: chr3-38709608-A-G. GRCh37 (hg19) VCF-style: chr3-38751099-A-G.
Other names: c.4148T>C, p.Met1383Thr (NM_001293306.2); c.3857T>C, p.Met1286Thr (NM_001293307.2); short protein forms M1383T, M1384T, M1286T.
Identifiers: ClinVar variation 1738270 (VCV001738270.2), dbSNP rs1393117491, ClinGen allele CA352149996.